The following is an entry in ClinVar:

ClinVar aggregate classification (germline): Uncertain significance (1 of 4 stars; one submission).

Conditions:
Diamond-Blackfan anemia. Also called: Blackfan Diamond syndrome; Aregenerative anemia chronic congenital; Red cell aplasia, pure hereditary; Congenital hypoplastic anemia; Aase syndrome. Identifiers: Orphanet 124, MedGen C1260899, MeSH D029503, MONDO:0015253, HP:0004810.
GATA binding protein 1 related thrombocytopenia with dyserythropoiesis. Also called: GATA1-Related X-Linked Cytopenia; GATA1-Related Cytopenia. Identifiers: MedGen C1845837, MONDO:0100089.

gnomAD v4.1: 1 of 1,206,113 alleles (0.000083%); highest among the groups gnomAD compares: Middle Eastern, 0.023%; no homozygotes.

Submission:

Labcorp Genetics (formerly Invitae), Labcorp
Classification: Uncertain significance for GATA binding protein 1 related thrombocytopenia with dyserythropoiesis; Diamond-Blackfan anemia. Last evaluated: 2022-03-13. Review status: criteria provided, single submitter. Criteria: Invitae Variant Classification Sherloc (09022015). Collection method: clinical testing. Allele origin: germline.
Comment: In summary, the available evidence is currently insufficient to determine the role of this variant in disease. Therefore, it has been classified as a Variant of Uncertain Significance. This sequence change replaces glycine, which is neutral and non-polar, with arginine, which is basic and polar, at codon 7 of the GATA1 protein (p.Gly7Arg). This variant is not present in population databases (gnomAD no frequency). This variant has not been reported in the literature in individuals affected with GATA1-related conditions. Algorithms developed to predict the effect of missense changes on protein structure and function are either unavailable or do not agree on the potential impact of this missense change (SIFT: "Tolerated"; PolyPhen-2: "Probably Damaging"; Align-GVGD: "Class C0").

NM_002049.4(GATA1):c.19G>C (p.Gly7Arg)

Gene: GATA1 (GATA binding protein 1; plus strand). Cytogenetic location: Xp11.23.
Variant type: single nucleotide variant.
Coding change: c.19G>C on transcript NM_002049.4 (MANE Select); coding-DNA position 19, G replaced by C.
Protein change: p.Gly7Arg; replaces glycine 7 with arginine.
Molecular consequence: missense variant.
Genome position (GRCh38, 1-based): chrX:48,791,128, G>C. VCF-style: chrX-48791128-G-C. GRCh37 (hg19) VCF-style: chrX-48649535-G-C.
Other names: short protein forms G7R.
Identifiers: ClinVar variation 1912164 (VCV001912164.5), dbSNP rs782214998, ClinGen allele CA412866695.